The following is an entry in ClinVar:

NM_005228.5(EGFR):c.2440C>G (p.Leu814Val)

Genes: EGFR (epidermal growth factor receptor; plus strand), EGFR-AS1 (EGFR antisense RNA 1; minus strand). Cytogenetic location: 7p11.2.
Variant type: single nucleotide variant.
Coding change: c.2440C>G on transcript NM_005228.5 (MANE Select); coding-DNA position 2440, C replaced by G.
Protein change: p.Leu814Val; replaces leucine 814 with valine.
Molecular consequence: missense variant. On other transcripts: non-coding transcript variant (1).
Genome position (GRCh38, 1-based): chr7:55,181,449, C>G. VCF-style: chr7-55181449-C-G. GRCh37 (hg19) VCF-style: chr7-55249142-C-G.
Other names: c.2305C>G, p.Leu769Val (NM_001346897.2, NM_001346899.2); c.2440C>G, p.Leu814Val (NM_001346898.2); c.2281C>G, p.Leu761Val (NM_001346900.2); c.1639C>G, p.Leu547Val (NM_001346941.2); short protein forms L769V, L547V, L814V, L761V.
Identifiers: ClinVar variation 3843840 (VCV003843840.1).
Genomic context (GRCh38, chr7:55,181,449, plus strand): 5'-CCCTTCGGCTGCCTCCTGGACTATGTCCGGGAACACAAAGACAATATTGGCTCCCAGTAC[C>G]TGCTCAACTGGTGTGTGCAGATCGCAAAGGTAATCAGGGAAGGGAGATACGGGGAGGGGA-3'
Protein context (NP_005219.2, residues 804-824): EHKDNIGSQY[Leu814Val]LNWCVQIAKG

ClinVar aggregate classification (germline): Uncertain significance (1 of 4 stars; one submission).

Conditions:
Hereditary cancer-predisposing syndrome. Also called: Hereditary neoplastic syndrome; Neoplastic Syndromes, Hereditary; Tumor predisposition; Hereditary Cancer Syndrome. Identifiers: Orphanet 140162, MedGen C0027672, MeSH D009386, MONDO:0015356.

Submission:

Ambry Genetics
Classification: Uncertain significance for Hereditary cancer-predisposing syndrome. Last evaluated: 2025-02-21. Review status: criteria provided, single submitter. Criteria: Ambry Variant Classification Scheme 2023. Collection method: clinical testing. Allele origin: germline.
Comment: The p.L814V variant (also known as c.2440C>G), located in coding exon 20 of the EGFR gene, results from a C to G substitution at nucleotide position 2440. The leucine at codon 814 is replaced by valine, an amino acid with highly similar properties. This amino acid position is conserved. In addition, the in silico prediction for this alteration is inconclusive. Based on the available evidence, the clinical significance of this variant remains unclear.